The following is an entry in ClinVar:

ClinVar aggregate classification (germline): Uncertain significance (1 of 4 stars; one submission).

gnomAD v4.1: 2 of 1,607,044 alleles (0.00012%); highest among the groups gnomAD compares: African/African-American, 0.0027%; no homozygotes.

Submission:

GeneDx
Classification: Uncertain significance. Last evaluated: 2024-12-18. Review status: criteria provided, single submitter. Criteria: GeneDx Variant Classification Process June 2021. Collection method: clinical testing. Allele origin: germline. Affected: yes.
Comment: Not observed at significant frequency in large population cohorts (gnomAD); Missense variant in a gene in which most reported pathogenic variants are truncating/loss of function; Has not been previously published as pathogenic or benign to our knowledge

NM_001267550.2(TTN):c.78839A>C (p.Asn26280Thr)

Genes: TTN (titin; minus strand), TTN-AS1 (TTN antisense RNA 1; plus strand). Cytogenetic location: 2q31.2.
Variant type: single nucleotide variant.
Coding change: c.78839A>C on transcript NM_001267550.2 (MANE Select); coding-DNA position 78839, A replaced by C.
Protein change: p.Asn26280Thr; replaces asparagine 26280 with threonine.
Molecular consequence: missense variant.
Genome position (GRCh38, 1-based): chr2:178,567,293, T>G on the plus strand (A>C on the coding strand, the complement: TTN is on the minus strand). VCF-style: chr2-178567293-T-G. GRCh37 (hg19) VCF-style: chr2-179432020-T-G.
Other names: c.73916A>C, p.Asn24639Thr (NM_001256850.1); c.51644A>C, p.Asn17215Thr (NM_003319.4); c.71135A>C, p.Asn23712Thr (NM_133378.4); c.52019A>C, p.Asn17340Thr (NM_133432.3); c.52220A>C, p.Asn17407Thr (NM_133437.4); short protein forms N17215T, N17340T, N17407T, N23712T, N24639T, N26280T.
Identifiers: ClinVar variation 3906747 (VCV003906747.1).